The following is an entry in ClinVar:

ClinVar aggregate classification (germline): Uncertain significance. Review status: criteria provided, multiple submitters, no conflicts (2 of 4 stars). 5 submissions from 5 submitters: Uncertain significance (5). Last evaluated 2025-04-09.

Conditions:
Cardiovascular phenotype. Identifiers: MedGen CN230736.
Myofibrillar myopathy 5. Also called: Filaminopathy (type); FILAMINOPATHY, AUTOSOMAL DOMINANT. Identifiers: Orphanet 171445, MedGen C1836050, MONDO:0012289, OMIM 609524.
Hypertrophic cardiomyopathy 26. Also called: Cardiomyopathy, familial hypertrophic, 26. Identifiers: Orphanet 75249, MedGen C4310749, MONDO:0014883, OMIM 617047.
Distal myopathy with posterior leg and anterior hand involvement. Also called: WILLIAMS DISTAL MYOPATHY. Identifiers: Orphanet 63273, MedGen C3279722, MONDO:0013550, OMIM 614065.

gnomAD v4.1: 6 of 1,613,792 alleles (0.00037%); highest among the groups gnomAD compares: Non-Finnish European, 0.00051%; no homozygotes.

Submissions (5):

Molecular Diagnostic Laboratory for Inherited Cardiovascular Disease, Montreal Heart Institute
Classification: Uncertain significance for Cardiovascular phenotype. Last evaluated: 2025-04-09. Review status: criteria provided, single submitter. Criteria: ACMG Guidelines, 2015. Collection method: clinical testing. Allele origin: germline. Affected: yes.

Labcorp Genetics (formerly Invitae), Labcorp
Classification: Uncertain significance for Distal myopathy with posterior leg and anterior hand involvement; Myofibrillar myopathy 5; Hypertrophic cardiomyopathy 26. Last evaluated: 2023-11-22. Review status: criteria provided, single submitter. Criteria: Invitae Variant Classification Sherloc (09022015). Collection method: clinical testing. Allele origin: germline.
Comment: This sequence change replaces glycine, which is neutral and non-polar, with arginine, which is basic and polar, at codon 1377 of the FLNC protein (p.Gly1377Arg). This variant is present in population databases (rs768725407, gnomAD 0.0009%). This variant has not been reported in the literature in individuals affected with FLNC-related conditions. ClinVar contains an entry for this variant (Variation ID: 1306060). An algorithm developed to predict the effect of missense changes on protein structure and function (PolyPhen-2) suggests that this variant is likely to be disruptive. In summary, the available evidence is currently insufficient to determine the role of this variant in disease. Therefore, it has been classified as a Variant of Uncertain Significance.

Blueprint Genetics
Classification: Uncertain significance. Last evaluated: 2022-03-11. Review status: criteria provided, single submitter. Criteria: ACMG Guidelines, 2015. Collection method: clinical testing. Allele origin: germline.

GeneDx
Classification: Uncertain significance. Last evaluated: 2019-05-24. Review status: criteria provided, single submitter. Criteria: GeneDx Variant Classification Process June 2021. Collection method: clinical testing. Allele origin: germline. Affected: yes.
Comment: Not observed at a significant frequency in large population cohorts (Lek et al., 2016); In silico analysis, which includes protein predictors and evolutionary conservation, supports a deleterious effect; Has not been previously published as pathogenic or benign to our knowledge

Revvity Omics, Revvity
Classification: Uncertain significance. Last evaluated: 2019-02-15. Review status: criteria provided, single submitter. Criteria: ACMG Guidelines, 2015. Collection method: clinical testing. Allele origin: germline.

NM_001458.5(FLNC):c.4129G>A (p.Gly1377Arg)

Gene: FLNC (filamin C; plus strand). Cytogenetic location: 7q32.1.
Variant type: single nucleotide variant.
Coding change: c.4129G>A on transcript NM_001458.5 (MANE Select); coding-DNA position 4129, G replaced by A.
Protein change: p.Gly1377Arg; replaces glycine 1377 with arginine.
Molecular consequence: missense variant.
Genome position (GRCh38, 1-based): chr7:128,846,746, G>A. VCF-style: chr7-128846746-G-A. GRCh37 (hg19) VCF-style: chr7-128486800-G-A.
Other names: c.4129G>A, p.Gly1377Arg (NM_001127487.2); short protein forms G1377R.
Identifiers: ClinVar variation 1306060 (VCV001306060.10), dbSNP rs768725407, ClinGen allele CA4475255.